The following is an entry in ClinVar:

ClinVar aggregate classification (germline): Conflicting classifications of pathogenicity. Review status: criteria provided, conflicting classifications (1 of 4 stars). 4 submissions from 4 submitters: Uncertain significance (1); Benign (1); Likely benign (2). Last evaluated 2025-01-12.

Conditions:
Hereditary cancer-predisposing syndrome. Also called: Neoplastic Syndromes, Hereditary; Tumor predisposition; Hereditary Cancer Syndrome; Hereditary neoplastic syndrome. Identifiers: Orphanet 140162, MedGen C0027672, MeSH D009386, MONDO:0015356.
Prostate cancer, hereditary, 9 (HPC9). Identifiers: Orphanet 1331, MedGen C1970250, MONDO:0012597, OMIM 610997.

Submissions (4):

Labcorp Genetics (formerly Invitae), Labcorp
Classification: Likely benign. Last evaluated: 2025-01-12. Review status: criteria provided, single submitter. Criteria: Invitae Variant Classification Sherloc (09022015). Collection method: clinical testing. Allele origin: germline.

Myriad Genetics, Inc.
Classification: Benign for Prostate cancer, hereditary, 9. Last evaluated: 2024-10-29. Review status: criteria provided, single submitter. Criteria: Myriad Autosomal Dominant, Autosomal Recessive and X-Linked Classification Criteria (2023). Collection method: clinical testing. Allele origin: unknown.
Comment: This variant is considered benign. This variant is a silent/synonymous amino acid change and it is not expected to impact splicing.

GeneDx
Classification: Uncertain significance. Last evaluated: 2022-12-09. Review status: criteria provided, single submitter. Criteria: GeneDx Variant Classification Process June 2021. Collection method: clinical testing. Allele origin: germline. Affected: yes.
Comment: Not observed at significant frequency in large population cohorts (gnomAD); In silico analysis supports that this variant does not alter splicing; Has not been previously published as pathogenic or benign to our knowledge

Ambry Genetics
Classification: Likely benign for Hereditary cancer-predisposing syndrome. Last evaluated: 2017-11-27. Review status: criteria provided, single submitter. Criteria: Ambry Variant Classification Scheme 2023. Collection method: clinical testing. Allele origin: germline.

NM_006361.6(HOXB13):c.303C>T (p.Ala101=)

Gene: HOXB13 (homeobox B13; minus strand). Cytogenetic location: 17q21.32.
Variant type: single nucleotide variant.
Coding change: c.303C>T on transcript NM_006361.6 (MANE Select); coding-DNA position 303, C replaced by T.
Protein change: p.Ala101=; no amino-acid change (alanine 101 retained).
Molecular consequence: synonymous variant.
Genome position (GRCh38, 1-based): chr17:48,728,291, G>A on the plus strand (C>T on the coding strand, the complement: HOXB13 is on the minus strand). VCF-style: chr17-48728291-G-A. GRCh37 (hg19) VCF-style: chr17-46805653-G-A.
Identifiers: ClinVar variation 1799130 (VCV001799130.9), dbSNP rs150413396, ClinGen allele CA8634020.